The following is an entry in ClinVar:

ClinVar aggregate classification (germline): Uncertain significance (1 of 4 stars; one submission).

Submission:

CeGaT Center for Human Genetics Tuebingen
Classification: Uncertain significance. Last evaluated: 2025-09-01. Review status: criteria provided, single submitter. Criteria: CeGaT Center For Human Genetics Tuebingen Variant Classification Criteria Version 2. Collection method: clinical testing. Allele origin: germline. Affected: yes. Observed: 1 variant allele.
Comment: ABCA13: PM2

NM_152701.5(ABCA13):c.13324dup (p.Ala4442fs)

Gene: ABCA13 (ATP binding cassette subfamily A member 13; plus strand). Cytogenetic location: 7p12.3.
Variant type: Duplication.
Coding change: c.13324dup on transcript NM_152701.5 (MANE Select); coding-DNA position 13324, one base duplicated (G; older notation c.13324dupG).
Protein change: p.Ala4442fs; shifts the reading frame from alanine 4442.
Molecular consequence: frameshift variant.
Genome position (GRCh38, 1-based): chr7:48,506,368, G duplicated; the last of 4 consecutive G bases (chr7:48,506,365-48,506,368); duplicating any one gives the same sequence. VCF-style (leftmost placement, unchanged base first): chr7-48506364-A-AG. GRCh37 (hg19) VCF-style: chr7-48545960-A-AG.
Other names: short protein forms A4442fs.
Identifiers: ClinVar variation 4281427 (VCV004281427.7).